The following is an entry in ClinVar:

NM_001394062.1(MACF1):c.18386A>C (p.His6129Pro)

Gene: MACF1 (microtubule actin crosslinking factor 1; plus strand). Cytogenetic location: 1p34.3.
Variant type: single nucleotide variant.
Coding change: c.18386A>C on transcript NM_001394062.1 (MANE Select); coding-DNA position 18386, A replaced by C.
Protein change: p.His6129Pro; replaces histidine 6129 with proline.
Molecular consequence: missense variant.
Genome position (GRCh38, 1-based): chr1:39,439,439, A>C. VCF-style: chr1-39439439-A-C. GRCh37 (hg19) VCF-style: chr1-39905111-A-C.
Other names: c.6464A>C, p.His2155Pro (NM_001397473.1); c.12209A>C, p.His4070Pro (NM_012090.5); short protein forms H6129P, H4070P, H2155P.
Identifiers: ClinVar variation 1972964 (VCV001972964.5), dbSNP rs772841322, ClinGen allele CA339809339.
Genomic context (GRCh38, chr1:39,439,439, plus strand): 5'-AGTTCTGGTATGACATGGCAGCTCTCCTGACCACCATCAAAGACACCCAGGATATTGTCC[A>C]TGACTTGGAAAGCCCAGGCATTGATCCTTCCATCATCAAACAACAGGTTGAAGCTGCTGA-3'
Protein context (NP_001380991.1, residues 6119-6139): TTIKDTQDIV[His6129Pro]DLESPGIDPS

ClinVar aggregate classification (germline): Uncertain significance (1 of 4 stars; one submission).

gnomAD v4.1: 10 of 1,614,210 alleles (0.00062%); highest among the groups gnomAD compares: Middle Eastern, 0.033%; no homozygotes.

Submission:

Labcorp Genetics (formerly Invitae), Labcorp
Classification: Uncertain significance. Last evaluated: 2022-04-08. Review status: criteria provided, single submitter. Criteria: Invitae Variant Classification Sherloc (09022015). Collection method: clinical testing. Allele origin: germline.
Comment: In summary, the available evidence is currently insufficient to determine the role of this variant in disease. Therefore, it has been classified as a Variant of Uncertain Significance. Algorithms developed to predict the effect of missense changes on protein structure and function are either unavailable or do not agree on the potential impact of this missense change (SIFT: "Tolerated"; PolyPhen-2: "Probably Damaging"; Align-GVGD: "Class C0"). This variant has not been reported in the literature in individuals affected with MACF1-related conditions. This sequence change replaces histidine, which is basic and polar, with proline, which is neutral and non-polar, at codon 4070 of the MACF1 protein (p.His4070Pro). This variant is present in population databases (no rsID available, gnomAD 0.003%).